The following is an entry in ClinVar:

NM_004700.4(KCNQ4):c.484G>A (p.Gly162Arg)

Gene: KCNQ4 (potassium voltage-gated channel subfamily Q member 4; plus strand). Cytogenetic location: 1p34.2.
Variant type: single nucleotide variant.
Coding change: c.484G>A on transcript NM_004700.4 (MANE Select); coding-DNA position 484, G replaced by A.
Protein change: p.Gly162Arg; replaces glycine 162 with arginine.
Molecular consequence: missense variant.
Genome position (GRCh38, 1-based): chr1:40,818,242, G>A. VCF-style: chr1-40818242-G-A. GRCh37 (hg19) VCF-style: chr1-41283914-G-A.
Other names: c.484G>A, p.Gly162Arg (NM_172163.3); short protein forms G162R.
Identifiers: ClinVar variation 4532424 (VCV004532424.1).

ClinVar aggregate classification (germline): Uncertain significance (1 of 4 stars; one submission).

gnomAD v4.1: 4 of 1,614,006 alleles (0.00025%); highest among the groups gnomAD compares: Non-Finnish European, 0.00034%; no homozygotes.

Submission:

GeneDx
Classification: Uncertain significance. Last evaluated: 2025-05-27. Review status: criteria provided, single submitter. Criteria: GeneDx Variant Classification Process June 2021. Collection method: clinical testing. Allele origin: germline. Affected: yes.
Comment: Not observed at significant frequency in large population cohorts (gnomAD); In silico analysis supports that this missense variant has a deleterious effect on protein structure/function; Has not been previously published as pathogenic or benign to our knowledge